The following is an entry in ClinVar:

ClinVar aggregate classification (germline): Conflicting classifications of pathogenicity. Review status: criteria provided, conflicting classifications (1 of 4 stars). 5 submissions from 5 submitters: Pathogenic (1); Likely pathogenic (1); Uncertain significance (3). Last evaluated 2026-06-09.

Conditions:
Cardiovascular phenotype. Identifiers: MedGen CN230736.
Hypertrophic cardiomyopathy. Also called: HYPERTROPHIC MYOCARDIOPATHY. Identifiers: Orphanet 217569, MedGen C0007194, MeSH D002312, MONDO:0005045, HP:0001639.

Allele frequency attached by ClinVar (database versions not stated): gnomAD exomes below 0.00001.
gnomAD v4.1: 1 of 1,607,740 alleles (0.000062%); highest among the groups gnomAD compares: Non-Finnish European, 0.000085%; no homozygotes.

Submissions (5):

Ambry Genetics
Classification: Likely pathogenic for Cardiovascular phenotype. Last evaluated: 2026-06-09. Review status: criteria provided, single submitter. Criteria: Ambry Variant Classification Scheme 2023. Collection method: clinical testing. Allele origin: germline.
Comment: The p.S212R variant (also known as c.636C>G), located in coding exon 5 of the MYBPC3 gene, results from a C to G substitution at nucleotide position 636. The serine at codon 212 is replaced by arginine, an amino acid with dissimilar properties. This variant was reported in individual(s) with features consistent with hypertrophic cardiomyopathy (HCM) (Olivotto I et al. Mayo Clin Proc, 2008 Jun;83:630-8; Alfares AA et al. Genet Med, 2015 Nov;17:880-8; Walsh R et al. Genet Med, 2017 02;19:192-203; Smith E et al. J Am Heart Assoc, 2022 05;11:e024501; Ambry internal data; external communication). This amino acid position is not well conserved in available vertebrate species. In addition, the in silico prediction for this alteration is inconclusive. This variant is considered to be rare based on population cohorts in the Genome Aggregation Database (gnomAD). Based on the majority of available evidence to date, this variant is likely to be pathogenic.

Labcorp Genetics (formerly Invitae), Labcorp
Classification: Pathogenic for Hypertrophic cardiomyopathy. Last evaluated: 2025-10-08. Review status: criteria provided, single submitter. Criteria: Invitae Variant Classification Sherloc (09022015). Collection method: clinical testing. Allele origin: germline.
Comment: This sequence change replaces serine, which is neutral and polar, with arginine, which is basic and polar, at codon 212 of the MYBPC3 protein (p.Ser212Arg). This variant is not present in population databases (gnomAD no frequency). This missense change has been observed in individuals with hypertrophic cardiomyopathy (PMID: 18533079, 27532257, 33782553; internal data). ClinVar contains an entry for this variant (Variation ID: 42776). An algorithm developed to predict the effect of missense changes on protein structure and function (PolyPhen-2) suggests that this variant is likely to be disruptive. Studies have shown that this missense change alters mRNA splicing and is expected to lead to the loss of protein expression (PMID: 28679633). For these reasons, this variant has been classified as Pathogenic.

GeneDx
Classification: Uncertain significance. Last evaluated: 2022-07-25. Review status: criteria provided, single submitter. Criteria: GeneDx Variant Classification Process June 2021. Collection method: clinical testing. Allele origin: germline. Affected: yes.
Comment: Not observed at significant frequency in large population cohorts (gnomAD); In silico analysis supports that this missense variant has a deleterious effect on protein structure/function; In silico splicing algorithms predict this variant results in the creation of a cryptic splice donor site upstream of the natural splice donor site for intron 5; This variant is associated with the following publications: (PMID: 18533079, 27532257, 33782553, 28679633)

Eurofins Ntd Llc (ga)
Classification: Uncertain significance. Last evaluated: 2015-03-13. Review status: criteria provided, single submitter. Criteria: EGL Classification Definitions 2015. Collection method: clinical testing. Allele origin: germline. Observed: 1 variant allele, 1 heterozygote.

Laboratory for Molecular Medicine, Mass General Brigham Personalized Medicine
Classification: Uncertain significance. Last evaluated: 2014-06-18. Review status: criteria provided, single submitter. Criteria: LMM Criteria. Collection method: clinical testing. Allele origin: germline. Observed: 6 variant alleles.
Comment: Variant classified as Uncertain Significance - Favor Pathogenic. The p.Ser212Arg variant in MYBPC3 has been reported in 1 individual with HCM (Olivotto 2008) an d was absent from large population studies. It has also been identified by our l aboratory in 2 Caucasian adults with HCM and segregated with the disease in 2 af fected relatives. Computational prediction tools and conservation analysis do no t provide strong support for or against an impact to the protein. The change to arginine (Arg) at position 212 was predicted to be benign using a computational tool clinically validated by our laboratory. This tool's benign prediction is es timated to be correct 89% of the time (Jordan 2011). However, this variant is pr edicted to create an alternative 5' splice site, and while this is not predictiv e enough to determine pathogenicity, it is consistent with the established mecha nism of disease for MYBPC3. In summary, though its clinical significance remains uncertain, its presence in multiple affected individuals, segregation with dise ase, and possible splicing impact raise suspicion that this variant may have a r ole in disease.

Literature cited by the submitters: PubMed 18533079 (cited by 4 submitters); PubMed 21835320 (cited by Ambry Genetics); PubMed 25611685 (cited by Ambry Genetics); PubMed 27532257 (cited by Ambry Genetics and Labcorp Genetics (formerly Invitae), Labcorp); PubMed 28679633 (cited by Ambry Genetics and Labcorp Genetics (formerly Invitae), Labcorp); PubMed 32481709 (cited by Ambry Genetics); PubMed 32841044 (cited by Ambry Genetics); PubMed 33954932 (cited by Ambry Genetics); PubMed 35470680 (cited by Ambry Genetics); PubMed 33782553 (cited by Labcorp Genetics (formerly Invitae), Labcorp).

NM_000256.3(MYBPC3):c.636C>G (p.Ser212Arg)

Gene: MYBPC3 (myosin binding protein C3; minus strand). Cytogenetic location: 11p11.2.
Variant type: single nucleotide variant.
Coding change: c.636C>G on transcript NM_000256.3 (MANE Select); coding-DNA position 636, C replaced by G.
Protein change: p.Ser212Arg; replaces serine 212 with arginine.
Molecular consequence: missense variant.
Genome position (GRCh38, 1-based): chr11:47,349,792, G>C on the plus strand (C>G on the coding strand, the complement: MYBPC3 is on the minus strand). VCF-style: chr11-47349792-G-C. GRCh37 (hg19) VCF-style: chr11-47371343-G-C.
Other names: short protein forms S212R.
Identifiers: ClinVar variation 42776 (VCV000042776.20), dbSNP rs397516062, ClinGen allele CA015566.